The following is an entry in ClinVar:

ClinVar aggregate classification (germline): Pathogenic (1 of 4 stars; one submission).

Conditions:
Myo-tubulinopathy.

Submission:

Harry Perkins Institute Of Medical Research, University Of Western Australia
Classification: Pathogenic for Myo-tubulinopathy. Review status: criteria provided, single submitter. Criteria: ACMG Guidelines, 2015. Collection method: research, in vitro. Allele origin: paternal, not applicable. Inheritance: Autosomal dominant inheritance. Affected: yes. Observed: 5 variant alleles. Functional consequence: cellular mislocalization.
Comment: PP3_Moderate, PM2_Supporting, PP2_Supporting, PS3_strong, PP1_supporting

Literature cited by the submitters: PubMed 40666348.

NM_006000.3(TUBA4A):c.536C>T (p.Thr179Ile)

Gene: TUBA4A (tubulin alpha 4a; minus strand). Cytogenetic location: 2q35.
Variant type: single nucleotide variant.
Coding change: c.536C>T on transcript NM_006000.3 (MANE Select); coding-DNA position 536, C replaced by T.
Protein change: p.Thr179Ile; replaces threonine 179 with isoleucine.
Molecular consequence: missense variant.
Genome position (GRCh38, 1-based): chr2:219,251,163, G>A on the plus strand (C>T on the coding strand, the complement: TUBA4A is on the minus strand). VCF-style: chr2-219251163-G-A. GRCh37 (hg19) VCF-style: chr2-220115885-G-A.
Other names: c.491C>T, p.Thr164Ile (NM_001278552.2); short protein forms T164I, T179I.
Identifiers: ClinVar variation 4857644 (VCV004857644.1).